The following is an entry in ClinVar:

NM_003924.4(PHOX2B):c.745G>A (p.Ala249Thr)

Genes: PHOX2B (paired like homeobox 2B; minus strand), LOC110011216 (paired like homeobox 2b polyalanine repeat instability region; plus strand). Cytogenetic location: 4p13.
Variant type: single nucleotide variant.
Coding change: c.745G>A on transcript NM_003924.4 (MANE Select); coding-DNA position 745, G replaced by A.
Protein change: p.Ala249Thr; replaces alanine 249 with threonine.
Molecular consequence: missense variant.
Genome position (GRCh38, 1-based): chr4:41,746,007, C>T on the plus strand (G>A on the coding strand, the complement: PHOX2B is on the minus strand). VCF-style: chr4-41746007-C-T. GRCh37 (hg19) VCF-style: chr4-41748024-C-T.
Other names: short protein forms A249T.
Identifiers: ClinVar variation 573807 (VCV000573807.11), dbSNP rs1276685806, ClinGen allele CA356737213.

ClinVar aggregate classification (germline): Uncertain significance. Review status: criteria provided, multiple submitters, no conflicts (2 of 4 stars). 2 submissions from 2 submitters: Uncertain significance (2). Last evaluated 2023-12-10.

Conditions:
Haddad syndrome (OHD). Also called: Ondine-Hirschsprung disease. Identifiers: Orphanet 99803, MedGen C1859049, MONDO:0020493.
Hereditary cancer-predisposing syndrome. Also called: Neoplastic Syndromes, Hereditary; Hereditary Cancer Syndrome; Tumor predisposition; Hereditary neoplastic syndrome. Identifiers: Orphanet 140162, MedGen C0027672, MeSH D009386, MONDO:0015356.

Submissions (2):

Ambry Genetics
Classification: Uncertain significance for Hereditary cancer-predisposing syndrome. Last evaluated: 2023-12-10. Review status: criteria provided, single submitter. Criteria: Ambry Variant Classification Scheme 2023. Collection method: clinical testing. Allele origin: germline.
Comment: The p.A249T variant (also known as c.745G>A), located in coding exon 3 of the PHOX2B gene, results from a G to A substitution at nucleotide position 745. The alanine at codon 249 is replaced by threonine, an amino acid with similar properties. This amino acid position is conserved. In addition, this alteration is predicted to be tolerated by in silico analysis. Since supporting evidence is limited at this time, the clinical significance of this alteration remains unclear.

Labcorp Genetics (formerly Invitae), Labcorp
Classification: Uncertain significance for Haddad syndrome. Last evaluated: 2023-11-04. Review status: criteria provided, single submitter. Criteria: Invitae Variant Classification Sherloc (09022015). Collection method: clinical testing. Allele origin: germline.
Comment: This sequence change replaces alanine, which is neutral and non-polar, with threonine, which is neutral and polar, at codon 249 of the PHOX2B protein (p.Ala249Thr). This variant is not present in population databases (gnomAD no frequency). This variant has not been reported in the literature in individuals affected with PHOX2B-related conditions. ClinVar contains an entry for this variant (Variation ID: 573807). Experimental studies and prediction algorithms are not available or were not evaluated, and the functional significance of this variant is currently unknown. In summary, the available evidence is currently insufficient to determine the role of this variant in disease. Therefore, it has been classified as a Variant of Uncertain Significance.